The following is an entry in ClinVar:

NM_000257.4(MYH7):c.5582T>G (p.Leu1861Arg)

Gene: MYH7 (myosin heavy chain 7; minus strand). Cytogenetic location: 14q11.2.
Variant type: single nucleotide variant.
Coding change: c.5582T>G on transcript NM_000257.4 (MANE Select); coding-DNA position 5582, T replaced by G.
Protein change: p.Leu1861Arg; replaces leucine 1861 with arginine.
Molecular consequence: missense variant.
Genome position (GRCh38, 1-based): chr14:23,414,080, A>C on the plus strand (T>G on the coding strand, the complement: MYH7 is on the minus strand). VCF-style: chr14-23414080-A-C. GRCh37 (hg19) VCF-style: chr14-23883289-A-C.
Other names: c.5582T>G, p.Leu1861Arg (NM_001407004.1); short protein forms L1861R.
Identifiers: ClinVar variation 5008104 (VCV005008104.1).
Genomic context (GRCh38, chr14:23,414,080, plus strand): 5'-TGGCGCTTGTAGGCCTTGACCTTTAGCTGCAGCTTGTCTACCAGGTCCTGCAGCCGCAGC[A>C]GGTTTTTCCTGTCCTCCTCCGTCTGGGGGCCAGAGGGTAGGCAGGGGGTGAAGATGGCAC-3'
Protein context (NP_000248.2, residues 1851-1871): TYQTEEDRKN[Leu1861Arg]LRLQDLVDKL

ClinVar aggregate classification (germline): Uncertain significance (1 of 4 stars; one submission).

Submission:

GeneDx
Classification: Uncertain significance. Last evaluated: 2026-03-01. Review status: criteria provided, single submitter. Criteria: GeneDx Variant Classification Process June 2021. Collection method: clinical testing. Allele origin: germline.
Comment: Not observed at significant frequency in large population cohorts (gnomAD); In silico analysis supports that this missense variant has a deleterious effect on protein structure/function; Has not been previously published as pathogenic or benign to our knowledge